The following is an entry in ClinVar:

NM_019066.5(MAGEL2):c.635del (p.Pro212fs)

Gene: MAGEL2 (MAGE family member L2; minus strand). Cytogenetic location: 15q11.2.
Variant type: Deletion.
Coding change: c.635del on transcript NM_019066.5 (MANE Select); coding-DNA position 635, one base deleted (C; older notation c.635delC).
Protein change: p.Pro212fs; shifts the reading frame from proline 212.
Molecular consequence: frameshift variant.
Genome position (GRCh38, 1-based): chr15:23,647,108, G deleted on the plus strand (C on the coding strand, the reverse complement: MAGEL2 is on the minus strand); the first of 2 consecutive G bases (chr15:23,647,108-23,647,109); deleting either gives the same sequence. VCF-style (leftmost placement, unchanged base first): chr15-23647107-AG-A. GRCh37 (hg19) VCF-style: chr15-23892254-AG-A.
Other names: short protein forms P212fs.
Identifiers: ClinVar variation 3357162 (VCV003357162.2).

ClinVar aggregate classification (germline): Likely pathogenic (1 of 4 stars; one submission).

Conditions:
MAGEL2-related disorder. Also called: MAGEL2-related condition.

Submission:

PreventionGenetics, part of Exact Sciences
Classification: Likely pathogenic for MAGEL2-related condition. Last evaluated: 2026-02-18. Review status: criteria provided, single submitter. Criteria: ACMG Guidelines, 2015. Collection method: clinical testing. Allele origin: germline.
Comment: The MAGEL2 c.635delC variant is predicted to result in a frameshift and premature protein termination (p.Pro212Leufs*27). To our knowledge, this variant has not been reported in the literature or in a large population database (gnomAD), indicating this variant is rare. Frameshift variants in MAGEL2 are expected to be pathogenic, and premature termination variants have been documented as causative both up and downstream of this variant. This variant is interpreted as likely pathogenic.